The following is an entry in ClinVar:

ClinVar aggregate classification (germline): Conflicting classifications of pathogenicity. Review status: criteria provided, conflicting classifications (1 of 4 stars). 6 submissions from 6 submitters: Uncertain significance (1); Likely benign (3). 2 of the submissions do not count toward it. Last evaluated 2024-11-21.

Allele frequency attached by ClinVar (database versions not stated): 1000 Genomes Project 0.00020; 1000 Genomes Project 30x 0.00047; gnomAD 0.00127 and 0.00133; TOPMed 0.00131; gnomAD exomes 0.00132 and 0.00176; ExAC 0.00151; ESP Exome Variant Server 0.00202.
gnomAD v4.1: 2,735 of 1,614,136 alleles (0.17%); highest among the groups gnomAD compares: Non-Finnish European, 0.21%; 3 homozygotes.

Submissions (6):

Blueprint Genetics
Classification: Likely benign. Last evaluated: 2024-11-21. Review status: criteria provided, single submitter. Criteria: ACMG Guidelines, 2015. Collection method: clinical testing. Allele origin: germline.

Labcorp Genetics (formerly Invitae), Labcorp
Classification: Likely benign. Last evaluated: 2024-02-24. Review status: criteria provided, single submitter. Criteria: Invitae Variant Classification Sherloc (09022015). Collection method: clinical testing. Allele origin: germline.

Women's Health and Genetics/Laboratory Corporation of America, LabCorp
Classification: Likely benign. Last evaluated: 2024-01-12. Review status: criteria provided, single submitter. Criteria: LabCorp Variant Classification Summary - May 2015. Collection method: clinical testing. Allele origin: germline.
Comment: Variant summary: HTT c.3244G>C (p.Asp1082His) results in a non-conservative amino acid change located in the second set of HEAT repeats of the N-terminal domain (IPR024613) of the encoded protein sequence. Three of four in-silico tools predict a damaging effect of the variant on protein function. The variant allele was found at a frequency of 0.0017 in 1,607,162 control chromosomes, predominantly at a frequency of 0.0021 within the Non-Finnish European subpopulation in the gnomAD database (v4 dataset), including 3 homozygotes. The high allele frequency together with the presence of homozygotes strongly suggests that the variant is a benign polymorphism found primarily in populations of Non-Finnish European origin. To our knowledge, no occurrence of c.3244G>C in individuals affected with Lopes-Maciel Syndrome and no experimental evidence demonstrating its impact on protein function have been reported. ClinVar contains an entry for this variant (Variation ID: 1206059). Based on the evidence outlined above, the variant was classified as likely benign.

CeGaT Center for Human Genetics Tuebingen
Classification: Uncertain significance. Last evaluated: 2021-07-01. Review status: criteria provided, single submitter. Criteria: CeGaT Center For Human Genetics Tuebingen Variant Classification Criteria Version 2. Collection method: clinical testing. Allele origin: germline. Affected: yes. Observed: 1 variant allele.

Genome Diagnostics Laboratory, Amsterdam University Medical Center
Classification: Uncertain significance. Review status: no assertion criteria provided. Collection method: clinical testing. Allele origin: germline. Affected: yes. Study: VKGL Data-share Consensus. Not counted in ClinVar's aggregate classification.

Laboratory of Diagnostic Genome Analysis, Leiden University Medical Center (LUMC)
Classification: Uncertain significance. Review status: no assertion criteria provided. Collection method: clinical testing. Allele origin: germline. Affected: yes. Study: VKGL Data-share Consensus. Not counted in ClinVar's aggregate classification.

NM_001388492.1(HTT):c.3244G>C (p.Asp1082His)

Gene: HTT (huntingtin; plus strand). Cytogenetic location: 4p16.3.
Variant type: single nucleotide variant.
Coding change: c.3244G>C on transcript NM_001388492.1 (MANE Select); coding-DNA position 3244, G replaced by C.
Protein change: p.Asp1082His; replaces aspartic acid 1082 with histidine.
Molecular consequence: missense variant.
Genome position (GRCh38, 1-based): chr4:3,146,897, G>C. VCF-style: chr4-3146897-G-C. GRCh37 (hg19) VCF-style: chr4-3148624-G-C.
Other names: c.3250G>C, p.Asp1084His (NM_002111.8); short protein forms D1082H, D1084H.
Identifiers: ClinVar variation 1206059 (VCV001206059.45), dbSNP rs1065746, ClinGen allele CA2824090.